The following is an entry in ClinVar:

ClinVar aggregate classification (germline): Uncertain significance (1 of 4 stars; one submission).

Allele frequency attached by ClinVar (database versions not stated): gnomAD exomes below 0.00001.
gnomAD v4.1: 2 of 1,551,770 alleles (0.00013%); highest among the groups gnomAD compares: African/African-American, 0.0014%; no homozygotes.

Submission:

Labcorp Genetics (formerly Invitae), Labcorp
Classification: Uncertain significance. Last evaluated: 2024-01-06. Review status: criteria provided, single submitter. Criteria: Invitae Variant Classification Sherloc (09022015). Collection method: clinical testing. Allele origin: germline.
Comment: This sequence change replaces glutamine, which is neutral and polar, with arginine, which is basic and polar, at codon 618 of the COL9A3 protein (p.Gln618Arg). This variant is not present in population databases (gnomAD no frequency). This variant has not been reported in the literature in individuals affected with COL9A3-related conditions. Advanced modeling of protein sequence and biophysical properties (such as structural, functional, and spatial information, amino acid conservation, physicochemical variation, residue mobility, and thermodynamic stability) performed at Invitae indicates that this missense variant is not expected to disrupt COL9A3 protein function with a negative predictive value of 95%. In summary, the available evidence is currently insufficient to determine the role of this variant in disease. Therefore, it has been classified as a Variant of Uncertain Significance.

NM_001853.4(COL9A3):c.1853A>G (p.Gln618Arg)

Gene: COL9A3 (collagen type IX alpha 3 chain; plus strand). Cytogenetic location: 20q13.33.
Variant type: single nucleotide variant.
Coding change: c.1853A>G on transcript NM_001853.4 (MANE Select); coding-DNA position 1853, A replaced by G.
Protein change: p.Gln618Arg; replaces glutamine 618 with arginine.
Molecular consequence: missense variant.
Genome position (GRCh38, 1-based): chr20:62,838,750, A>G. VCF-style: chr20-62838750-A-G. GRCh37 (hg19) VCF-style: chr20-61470102-A-G.
Other names: short protein forms Q618R.
Identifiers: ClinVar variation 2999322 (VCV002999322.3), dbSNP rs1467744959, ClinGen allele CA409600226.